The following is an entry in ClinVar:

ClinVar aggregate classification (germline): Uncertain significance (1 of 4 stars; one submission).

Submission:

GeneDx
Classification: Uncertain significance. Last evaluated: 2019-05-13. Review status: criteria provided, single submitter. Criteria: GeneDx Variant Classification Process June 2021. Collection method: clinical testing. Allele origin: germline. Affected: yes.
Comment: Not observed in large population cohorts (Lek et al., 2016); Has not been previously published as pathogenic or benign to our knowledge

NM_004817.4(TJP2):c.2991+1_2991+2dup

Gene: TJP2 (tight junction protein 2; plus strand). Cytogenetic location: 9q21.11.
Variant type: Duplication.
Coding change: c.2991+1_2991+2dup on transcript NM_004817.4 (MANE Select); the canonical splice donor site of the intron after coding-DNA position 2991, 2 bases duplicated (GT; older notation c.2991+1_2991+2dupGT).
Molecular consequence: splice donor variant. On other transcripts: intron variant (6).
Genome position (GRCh38, 1-based): chr9:69,249,486-69,249,487, GT duplicated. VCF-style (leftmost placement, unchanged base first): chr9-69249485-G-GGT. GRCh37 (hg19) VCF-style: chr9-71864401-G-GGT.
Other names: c.2811+1262_2811+1263dup (NM_001170414.2); c.2916+1_2916+2dup (NM_001369870.1); c.2922+1_2922+2dup (NM_001369871.1); c.2880+1262_2880+1263dup (NM_201629.3, NM_001369872.1); c.2668-1549_2668-1548dup (NM_001369873.1); c.2892+1262_2892+1263dup (NM_001170415.1, NM_001369874.1); c.3084+1_3084+2dup (NM_001170416.2); c.3003+1_3003+2dup (NM_001369875.1).
Identifiers: ClinVar variation 1305807 (VCV001305807.2), dbSNP rs2133478687, ClinGen allele CA2573053186.